The following is an entry in ClinVar:

NM_000892.5(KLKB1):c.428G>A (p.Ser143Asn)

Gene: KLKB1 (kallikrein B1; plus strand). Cytogenetic location: 4q35.2.
Variant type: single nucleotide variant.
Coding change: c.428G>A on transcript NM_000892.5 (MANE Select); coding-DNA position 428, G replaced by A.
Protein change: p.Ser143Asn; replaces serine 143 with asparagine.
Molecular consequence: missense variant. On other transcripts: 5 prime UTR variant (1).
Genome position (GRCh38, 1-based): chr4:186,236,880, G>A. VCF-style: chr4-186236880-G-A. GRCh37 (hg19) VCF-style: chr4-187158034-G-A.
Other names: N124S; p.Ser143Asn; c.314G>A, p.Ser105Asn (NM_001318394.2); c.-210G>A (NM_001318396.2); short protein forms S143N, S105N.
Identifiers: ClinVar variation 12037 (VCV000012037.14), dbSNP rs3733402, ClinGen allele CA121835.

ClinVar aggregate classification (germline): Benign/Likely benign. Review status: criteria provided, multiple submitters, no conflicts (2 of 4 stars). 10 submissions from 10 submitters: Benign (5); Likely benign (1). 4 of the submissions do not count toward it. Last evaluated 2025-07-30.

Conditions:
Inherited prekallikrein deficiency. Identifiers: Orphanet 749, MedGen CN305372, MONDO:0012901, OMIM 612423.
Hypophosphatemic rickets and hyperparathyroidism. Identifiers: MedGen C2677524, MONDO:0012795, OMIM 612089.
Prekallikrein deficiency. Also called: FLETCHER FACTOR DEFICIENCY; PKK DEFICIENCY. Identifiers: MedGen C0272339, MONDO:0044744.

Allele frequency attached by ClinVar (database versions not stated): gnomAD 0.58780 and 0.59489; 1000 Genomes Project 0.60463; 1000 Genomes Project 30x 0.61040; gnomAD exomes 0.51691 and 0.54021; TOPMed 0.59905; ExAC 0.53647.
gnomAD v4.1: 845,532 of 1,613,244 alleles (52%); highest among the groups gnomAD compares: African/African-American, 74%; 226,077 homozygotes.

Submissions (10):

Genomic Medicine Center of Excellence, King Faisal Specialist Hospital and Research Centre
Classification: Likely benign for Hypophosphatemic rickets and hyperparathyroidism. Last evaluated: 2025-07-30. Review status: criteria provided, single submitter. Criteria: ACMG Guidelines, 2015. Collection method: clinical testing. Allele origin: germline.

Mayo Clinic Laboratories, Mayo Clinic
Classification: Benign. Last evaluated: 2025-03-04. Review status: criteria provided, single submitter. Criteria: ACMG Guidelines, 2015. Collection method: clinical testing. Allele origin: germline. Observed: 98 variant alleles.
Comment: BA1, BS2, BS3_supporting, BP4, PM1_supporting

Department of Pathology and Laboratory Medicine, Sinai Health System
Classification: Benign for Inherited prekallikrein deficiency. Last evaluated: 2023-04-17. Review status: criteria provided, single submitter. Criteria: ACMG Guidelines, 2015. Collection method: research. Allele origin: germline.

H3Africa Consortium
Classification: Benign. Last evaluated: 2020-10-28. Review status: criteria provided, single submitter. Criteria: Choudhury A et al. (Nature 2020). Collection method: research. Allele origin: germline. Study: H3Africa.
Comment: While the frequency of the alternate allele in gnoMAD v2.0.2 is 0.729, its frequency in African populations is >5%. This suggests that previous classifications of this variant as pathogenic are in error.

GeneDx
Classification: Benign. Last evaluated: 2018-11-12. Review status: criteria provided, single submitter. Criteria: GeneDx Variant Classification Process June 2021. Collection method: clinical testing. Allele origin: germline. Affected: yes.
Comment: This variant is associated with the following publications: (PMID: 20981092, 24625756, 23251661, 17598838, 28508493, 28492530)

Breakthrough Genomics
Classification: Benign. Review status: criteria provided, single submitter. Criteria: ACMG Guidelines, 2015. Collection method: not provided. Allele origin: germline. Inheritance: Autosomal recessive inheritance. Affected: yes.

Reproductive Health Research and Development, BGI Genomics
Classification: Benign for Prekallikrein deficiency. Last evaluated: 2020-01-06. Review status: no assertion criteria provided. Collection method: curation. Allele origin: germline. Not counted in ClinVar's aggregate classification.
Comment: NM_000892.3:c.428G>A (Ser143Asn) in the KLKB1 gene has an allele frequency of 0.738 in African subpopulation in the gnomAD database, including 43762 homozygous events. Ser143Asn was reported as N124S according to ClinVar's annotation. Katsuda et al reported three Japanese patients with plasma prekallikrein deficiency, who harbors homozygousity of Gly104Arg and Asn124Ser in 2007. Co-segregate analysis demonstrate the proband's parents were heterozygous of Gly104Arg Asn124-Ser\Gly104Arg+ (PMID: 17598838). Considering the high frequency of this variant, we classify the variant as benign. ACMG/AMP criteria applied: BA1, BS2.

OMIM
Classification: Pathogenic for PREKALLIKREIN DEFICIENCY. Last evaluated: 2007-07-01. Review status: no assertion criteria provided. Collection method: literature only. Allele origin: germline. Not counted in ClinVar's aggregate classification.

Diagnostic Laboratory, Department of Genetics, University Medical Center Groningen
Classification: Benign. Review status: no assertion criteria provided. Collection method: clinical testing. Allele origin: germline. Affected: yes. Study: VKGL Data-share Consensus. Not counted in ClinVar's aggregate classification.

Genome Diagnostics Laboratory, University Medical Center Utrecht
Classification: Benign. Review status: no assertion criteria provided. Collection method: clinical testing. Allele origin: germline. Affected: yes. Study: VKGL Data-share Consensus. Not counted in ClinVar's aggregate classification.

Literature cited by the submitters: PubMed 32202057 (cited by Mayo Clinic Laboratories, Mayo Clinic); PubMed 17598838 (cited by OMIM).